The following is an entry in ClinVar:

ClinVar aggregate classification (germline): Uncertain significance. Review status: criteria provided, multiple submitters, no conflicts (2 of 4 stars). 2 submissions from 2 submitters: Uncertain significance (2). Last evaluated 2025-04-03.

Conditions:
Inborn genetic diseases. Identifiers: MedGen C0950123, MeSH D030342.

Allele frequency attached by ClinVar (database versions not stated): ExAC 0.00002; TOPMed 0.00002.
gnomAD v4.1: 18 of 1,613,718 alleles (0.0011%); highest among the groups gnomAD compares: South Asian, 0.0066%; no homozygotes.

Submissions (2):

Ambry Genetics
Classification: Uncertain significance for Inborn genetic diseases. Last evaluated: 2025-04-03. Review status: criteria provided, single submitter. Criteria: Ambry Variant Classification Scheme 2023. Collection method: clinical testing. Allele origin: germline.

Labcorp Genetics (formerly Invitae), Labcorp
Classification: Uncertain significance. Last evaluated: 2022-05-06. Review status: criteria provided, single submitter. Criteria: Invitae Variant Classification Sherloc (09022015). Collection method: clinical testing. Allele origin: germline.
Comment: This sequence change replaces valine, which is neutral and non-polar, with methionine, which is neutral and non-polar, at codon 243 of the STX3 protein (p.Val243Met). This variant is present in population databases (rs751667595, gnomAD 0.007%). This variant has not been reported in the literature in individuals affected with STX3-related conditions. Algorithms developed to predict the effect of missense changes on protein structure and function are either unavailable or do not agree on the potential impact of this missense change (SIFT: "Deleterious"; PolyPhen-2: "Probably Damaging"; Align-GVGD: "Class C15"). In summary, the available evidence is currently insufficient to determine the role of this variant in disease. Therefore, it has been classified as a Variant of Uncertain Significance.

NM_004177.5(STX3):c.727G>A (p.Val243Met)

Gene: STX3 (syntaxin 3; plus strand). Cytogenetic location: 11q12.1.
Variant type: single nucleotide variant.
Coding change: c.727G>A on transcript NM_004177.5 (MANE Select); coding-DNA position 727, G replaced by A.
Protein change: p.Val243Met; replaces valine 243 with methionine.
Molecular consequence: missense variant.
Genome position (GRCh38, 1-based): chr11:59,795,423, G>A. VCF-style: chr11-59795423-G-A. GRCh37 (hg19) VCF-style: chr11-59562896-G-A.
Other names: c.727G>A, p.Val243Met (NM_001178040.3); short protein forms V243M.
Identifiers: ClinVar variation 2427880 (VCV002427880.4), dbSNP rs751667595, ClinGen allele CA6020991.